The following is an entry in ClinVar:

ClinVar aggregate classification (germline): Pathogenic. Review status: criteria provided, single submitter (1 of 4 stars). 2 submissions from 2 submitters: Pathogenic (1). 1 of the submissions does not count toward it.

Conditions:
Spinocerebellar ataxia type 14 (SCA14). Identifiers: Orphanet 98763, MedGen C1854369, MONDO:0011540, OMIM 605361.

Submissions (2):

Clinical Genetics Service, Universitary Hospital 12 de Octubre
Classification: Pathogenic for Spinocerebellar ataxia type 14. Review status: criteria provided, single submitter. Criteria: ACMG Guidelines, 2015. Collection method: clinical testing. Allele origin: germline. Affected: yes.

GeneReviews
Classification: Pathogenic for Spinocerebellar Ataxia Type14. Last evaluated: 2013-04-18. Review status: no assertion criteria provided. Collection method: curation. Allele origin: unknown. Not counted in ClinVar's aggregate classification.
ClinVar note: Converted during submission from pathologic to Pathogenic.

NM_002739.5(PRKCG):c.449_450delinsTT (p.Cys150Phe)

Gene: PRKCG (protein kinase C gamma; plus strand). Cytogenetic location: 19q13.42.
Variant type: Indel.
Coding change: c.449_450delinsTT on transcript NM_002739.5 (MANE Select); coding-DNA positions 449 to 450, GC replaced by TT.
Protein change: p.Cys150Phe; replaces cysteine 150 with phenylalanine.
Molecular consequence: missense variant.
Genome position (GRCh38, 1-based): chr19:53,889,937-53,889,938, GC replaced by TT. VCF-style: chr19-53889937-GC-TT. GRCh37 (hg19) VCF-style: chr19-54393191-GC-TT.
Other names: c.449_450gc>tt; c.449_450delinsTT, p.Cys150Phe (NM_001316329.2); short protein forms C150F.
Identifiers: ClinVar variation 42170 (VCV000042170.4), dbSNP rs386134170, ClinGen allele CA344643.